The following is an entry in ClinVar:

ClinVar aggregate classification (germline): Uncertain significance. Review status: criteria provided, multiple submitters, no conflicts (2 of 4 stars). 2 submissions from 2 submitters: Uncertain significance (2). Last evaluated 2024-08-28.

Conditions:
Congenital myasthenic syndrome 18. Also called: MYASTHENIC SYNDROME, CONGENITAL, 18, WITH INTELLECTUAL DISABILITY AND ATAXIA. Identifiers: Orphanet 590, MedGen C4225364, MONDO:0014590, OMIM 616330.
Inborn genetic diseases. Identifiers: MedGen C0950123, MeSH D030342.

Submissions (2):

Ambry Genetics
Classification: Uncertain significance for Inborn genetic diseases. Last evaluated: 2024-08-28. Review status: criteria provided, single submitter. Criteria: Ambry Variant Classification Scheme 2023. Collection method: clinical testing. Allele origin: germline.

Labcorp Genetics (formerly Invitae), Labcorp
Classification: Uncertain significance for Congenital myasthenic syndrome 18. Last evaluated: 2024-08-12. Review status: criteria provided, single submitter. Criteria: Invitae Variant Classification Sherloc (09022015). Collection method: clinical testing. Allele origin: germline.
Comment: This sequence change replaces threonine, which is neutral and polar, with isoleucine, which is neutral and non-polar, at codon 190 of the SNAP25 protein (p.Thr190Ile). This variant is not present in population databases (gnomAD no frequency). This variant has not been reported in the literature in individuals affected with SNAP25-related conditions. ClinVar contains an entry for this variant (Variation ID: 947540). An algorithm developed to predict the effect of missense changes on protein structure and function (PolyPhen-2) suggests that this variant is likely to be tolerated. In summary, the available evidence is currently insufficient to determine the role of this variant in disease. Therefore, it has been classified as a Variant of Uncertain Significance.

NM_130811.4(SNAP25):c.569C>T (p.Thr190Ile)

Gene: SNAP25 (synaptosome associated protein 25; plus strand). Cytogenetic location: 20p12.2.
Variant type: single nucleotide variant.
Coding change: c.569C>T on transcript NM_130811.4 (MANE Select); coding-DNA position 569, C replaced by T.
Protein change: p.Thr190Ile; replaces threonine 190 with isoleucine.
Molecular consequence: missense variant.
Genome position (GRCh38, 1-based): chr20:10,306,145, C>T. VCF-style: chr20-10306145-C-T. GRCh37 (hg19) VCF-style: chr20-10286793-C-T.
Other names: c.569C>T, p.Thr190Ile (NM_001322902.2, NM_001322903.2, NM_001322904.2 and 7 more transcripts); c.569C>T (NM_003081.3); short protein forms T190I.
Identifiers: ClinVar variation 947540 (VCV000947540.10), dbSNP rs2064354640, ClinGen allele CA408266839.